The following is an entry in ClinVar:

ClinVar aggregate classification (germline): Uncertain significance. Review status: criteria provided, multiple submitters, no conflicts (2 of 4 stars). 2 submissions from 2 submitters: Uncertain significance (2). Last evaluated 2024-09-24.

Conditions:
Hereditary cancer-predisposing syndrome. Also called: Hereditary neoplastic syndrome; Tumor predisposition; Neoplastic Syndromes, Hereditary; Hereditary Cancer Syndrome. Identifiers: Orphanet 140162, MedGen C0027672, MeSH D009386, MONDO:0015356.
Tuberous sclerosis 2 (TSC2). Identifiers: Orphanet 805, MedGen C1860707, MONDO:0013199, OMIM 613254.

Allele frequency attached by ClinVar (database versions not stated): gnomAD exomes below 0.00001.
gnomAD v4.1: 1 of 1,613,392 alleles (0.000062%); highest among the groups gnomAD compares: Non-Finnish European, 0.000085%; no homozygotes.

Submissions (2):

Ambry Genetics
Classification: Uncertain significance for Hereditary cancer-predisposing syndrome. Last evaluated: 2024-09-24. Review status: criteria provided, single submitter. Criteria: Ambry Variant Classification Scheme 2023. Collection method: clinical testing. Allele origin: germline.
Comment: The p.S581I variant (also known as c.1742G>T), located in coding exon 16 of the TSC2 gene, results from a G to T substitution at nucleotide position 1742. The serine at codon 581 is replaced by isoleucine, an amino acid with dissimilar properties. This amino acid position is well conserved in available vertebrate species. In addition, this alteration is predicted to be deleterious by in silico analysis. Based on the available evidence, the clinical significance of this variant remains unclear.

Labcorp Genetics (formerly Invitae), Labcorp
Classification: Uncertain significance for Tuberous sclerosis 2. Last evaluated: 2019-09-20. Review status: criteria provided, single submitter. Criteria: Invitae Variant Classification Sherloc (09022015). Collection method: clinical testing. Allele origin: germline.
Comment: In summary, the available evidence is currently insufficient to determine the role of this variant in disease. Therefore, it has been classified as a Variant of Uncertain Significance. Algorithms developed to predict the effect of missense changes on protein structure and function are either unavailable or do not agree on the potential impact of this missense change (SIFT: "Tolerated"; PolyPhen-2: "Probably Damaging"; Align-GVGD: "Class C0"). This variant has not been reported in the literature in individuals with TSC2-related conditions. This variant is not present in population databases (ExAC no frequency). This sequence change replaces serine with isoleucine at codon 581 of the TSC2 protein (p.Ser581Ile). The serine residue is highly conserved and there is a large physicochemical difference between serine and isoleucine.

NM_000548.5(TSC2):c.1742G>T (p.Ser581Ile)

Gene: TSC2 (TSC complex subunit 2; plus strand). Cytogenetic location: 16p13.3.
Variant type: single nucleotide variant.
Coding change: c.1742G>T on transcript NM_000548.5 (MANE Select); coding-DNA position 1742, G replaced by T.
Protein change: p.Ser581Ile; replaces serine 581 with isoleucine.
Molecular consequence: missense variant.
Genome position (GRCh38, 1-based): chr16:2,070,481, G>T. VCF-style: chr16-2070481-G-T. GRCh37 (hg19) VCF-style: chr16-2120482-G-T.
Other names: c.1742G>T, p.Ser581Ile (NM_001077183.3, NM_001114382.3, NM_001363528.2 and 3 more transcripts); c.1631G>T, p.Ser544Ile (NM_001318827.2); c.1595G>T, p.Ser532Ile (NM_001318829.2); c.1142G>T, p.Ser381Ile (NM_001318831.2); c.1775G>T, p.Ser592Ile (NM_001318832.2); short protein forms S381I, S532I, S544I, S581I, S592I.
Identifiers: ClinVar variation 959206 (VCV000959206.10), dbSNP rs45517197, ClinGen allele CA394272751.